The following is an entry in ClinVar:

ClinVar aggregate classification (germline): Uncertain significance (1 of 4 stars; one submission).

Conditions:
Early-infantile DEE. Also called: Ohtahara syndrome; Early infantile epileptic encephalopathy with suppression bursts; Early infantile epileptic encephalopathy. Identifiers: Orphanet 1934, MedGen C0393706, MONDO:0800491.

Submission:

Labcorp Genetics (formerly Invitae), Labcorp
Classification: Uncertain significance for Early-infantile DEE. Last evaluated: 2023-05-22. Review status: criteria provided, single submitter. Criteria: Invitae Variant Classification Sherloc (09022015). Collection method: clinical testing. Allele origin: germline.
Comment: Advanced modeling of protein sequence and biophysical properties (such as structural, functional, and spatial information, amino acid conservation, physicochemical variation, residue mobility, and thermodynamic stability) performed at Invitae indicates that this missense variant is expected to disrupt SCN1A protein function. In summary, the available evidence is currently insufficient to determine the role of this variant in disease. Therefore, it has been classified as a Variant of Uncertain Significance. This variant has not been reported in the literature in individuals affected with SCN1A-related conditions. This variant is not present in population databases (gnomAD no frequency). This sequence change replaces alanine, which is neutral and non-polar, with glycine, which is neutral and non-polar, at codon 1283 of the SCN1A protein (p.Ala1283Gly).

NM_001165963.4(SCN1A):c.3848C>G (p.Ala1283Gly)

Genes: SCN1A (sodium voltage-gated channel alpha subunit 1; minus strand), LOC102724058 (uncharacterized LOC102724058; plus strand). Cytogenetic location: 2q24.3.
Variant type: single nucleotide variant.
Coding change: c.3848C>G on transcript NM_001165963.4 (MANE Select); coding-DNA position 3848, C replaced by G.
Protein change: p.Ala1283Gly; replaces alanine 1283 with glycine.
Molecular consequence: missense variant. On other transcripts: non-coding transcript variant (1).
Genome position (GRCh38, 1-based): chr2:166,012,140, G>C on the plus strand (C>G on the coding strand, the complement: SCN1A is on the minus strand). VCF-style: chr2-166012140-G-C. GRCh37 (hg19) VCF-style: chr2-166868650-G-C.
Other names: c.3764C>G, p.Ala1255Gly (NM_001165964.3, NM_001353957.2, NM_001353958.2); c.3848C>G, p.Ala1283Gly (NM_001202435.3, NM_001353948.2); c.3815C>G, p.Ala1272Gly (NM_001353949.2, NM_001353950.2, NM_001353951.2 and 2 more transcripts); c.3812C>G, p.Ala1271Gly (NM_001353954.2, NM_001353955.2); c.3761C>G, p.Ala1254Gly (NM_001353960.2); c.1406C>G, p.Ala469Gly (NM_001353961.2); short protein forms A1254G, A469G, A1283G, A1255G, A1271G, A1272G.
Identifiers: ClinVar variation 2866808 (VCV002866808.3), dbSNP rs2468512892, ClinGen allele CA349053999.